The following is an entry in ClinVar:

ClinVar aggregate classification (germline): Pathogenic (1 of 4 stars; one submission).

Conditions:
Supravalvar aortic stenosis (SVAS). Also called: Supravalvar aortic stenosis, Eisenberg type. Identifiers: Orphanet 3193, MedGen C0003499, MONDO:0008504, OMIM 185500, HP:0004381.

Submission:

Labcorp Genetics (formerly Invitae), Labcorp
Classification: Pathogenic for Supravalvar aortic stenosis. Last evaluated: 2023-07-07. Review status: criteria provided, single submitter. Criteria: Invitae Variant Classification Sherloc (09022015). Collection method: clinical testing. Allele origin: germline.
Comment: This sequence change creates a premature translational stop signal (p.Ala362Serfs*105) in the ELN gene. It is expected to result in an absent or disrupted protein product. Loss-of-function variants in ELN are known to be pathogenic (PMID: 11175284). This variant is not present in population databases (gnomAD no frequency). This variant has not been reported in the literature in individuals affected with ELN-related conditions. ClinVar contains an entry for this variant (Variation ID: 1454234). For these reasons, this variant has been classified as Pathogenic.

Literature cited by the submitters: PubMed 11175284.

NM_000501.4(ELN):c.1075_1082dup (p.Ala362fs)

Gene: ELN (elastin; plus strand). Cytogenetic location: 7q11.23.
Variant type: Duplication.
Coding change: c.1075_1082dup on transcript NM_000501.4 (MANE Select); coding-DNA positions 1075 to 1082, 8 bases duplicated (ATCCCAGG; older notation c.1075_1082dupATCCCAGG).
Protein change: p.Ala362fs; shifts the reading frame from alanine 362.
Molecular consequence: frameshift variant.
Genome position (GRCh38, 1-based): chr7:74,053,288-74,053,295, ATCCCAGG duplicated; duplicating any 8 consecutive bases within chr7:74,053,286-74,053,295 gives the same sequence; the c. name uses the placement nearest the transcript's 3' end. VCF-style (leftmost placement, unchanged base first): chr7-74053285-G-GGGATCCCA. GRCh37 (hg19) VCF-style: chr7-73467615-G-GGGATCCCA.
Other names: c.1045_1052dup, p.Ala352fs (NM_001081752.3, NM_001278917.2); c.1090_1097dup, p.Ala367fs (NM_001081753.3, NM_001081754.3); c.1075_1082dup, p.Ala362fs (NM_001081755.3, NM_001278912.2, NM_001278915.2 and 1 more transcripts); c.967_974dup, p.Ala326fs (NM_001278913.2); c.1060_1067dup, p.Ala357fs (NM_001278914.2); c.1033_1040dup, p.Ala348fs (NM_001278916.2); c.943_950dup, p.Ala318fs (NM_001278918.2); short protein forms A318fs, A326fs, A348fs, A352fs, A362fs, A357fs, A367fs.
Identifiers: ClinVar variation 1454234 (VCV001454234.6), dbSNP rs2131925210, ClinGen allele CA2573142297.
Genomic context (GRCh38, chr7:74,053,285, plus strand): 5'-GGAGCTGGCGTTCCAGGTGTTGGTGTCCCAGGAGCTGGGATTCCAGTTGTCCCAGGTGCT[G>GGGATCCCA]GGATCCCAGGTGCTGCGGTTCCAGGTGAGCTGGGCTGTGTGTGTGTGTGTGTGTGTGTGT-3'